The following is an entry in ClinVar:

NM_004329.3(BMPR1A):c.128A>G (p.Lys43Arg)

Gene: BMPR1A (bone morphogenetic protein receptor type 1A; plus strand). Cytogenetic location: 10q23.2.
Variant type: single nucleotide variant.
Coding change: c.128A>G on transcript NM_004329.3 (MANE Select); coding-DNA position 128, A replaced by G.
Protein change: p.Lys43Arg; replaces lysine 43 with arginine.
Molecular consequence: missense variant.
Genome position (GRCh38, 1-based): chr10:86,890,122, A>G. VCF-style: chr10-86890122-A-G. GRCh37 (hg19) VCF-style: chr10-88649879-A-G.
Other names: short protein forms K43R.
Identifiers: ClinVar variation 1472533 (VCV001472533.8), dbSNP rs2133395088, ClinGen allele CA377446561.

ClinVar aggregate classification (germline): Uncertain significance (1 of 4 stars; one submission).

Conditions:
Juvenile polyposis syndrome (JPS). Identifiers: Orphanet 2929, MedGen C0345893, MONDO:0017380, OMIM 174900.

Submission:

Labcorp Genetics (formerly Invitae), Labcorp
Classification: Uncertain significance for Juvenile polyposis syndrome. Last evaluated: 2021-03-29. Review status: criteria provided, single submitter. Criteria: Invitae Variant Classification Sherloc (09022015). Collection method: clinical testing. Allele origin: germline.
Comment: In summary, the available evidence is currently insufficient to determine the role of this variant in disease. Therefore, it has been classified as a Variant of Uncertain Significance. Advanced modeling of protein sequence and biophysical properties (such as structural, functional, and spatial information, amino acid conservation, physicochemical variation, residue mobility, and thermodynamic stability) performed at Invitae indicates that this missense variant is not expected to disrupt BMPR1A protein function. This variant has not been reported in the literature in individuals with BMPR1A-related conditions. This variant is not present in population databases (ExAC no frequency). This sequence change replaces lysine with arginine at codon 43 of the BMPR1A protein (p.Lys43Arg). The lysine residue is moderately conserved and there is a small physicochemical difference between lysine and arginine.